The following is an entry in ClinVar:

NM_000214.3(JAG1):c.2612C>A (p.Pro871Gln)

Gene: JAG1 (jagged canonical Notch ligand 1; minus strand). Cytogenetic location: 20p12.2.
Variant type: single nucleotide variant.
Coding change: c.2612C>A on transcript NM_000214.3 (MANE Select); coding-DNA position 2612, C replaced by A.
Protein change: p.Pro871Gln; replaces proline 871 with glutamine.
Molecular consequence: missense variant.
Genome position (GRCh38, 1-based): chr20:10,641,853, G>T on the plus strand (C>A on the coding strand, the complement: JAG1 is on the minus strand). VCF-style: chr20-10641853-G-T. GRCh37 (hg19) VCF-style: chr20-10622501-G-T.
Other names: short protein forms P871Q.
Identifiers: ClinVar variation 4858553 (VCV004858553.1).

ClinVar aggregate classification (germline): Uncertain significance (1 of 4 stars; one submission).

Conditions:
Cardiovascular phenotype. Identifiers: MedGen CN230736.

Submission:

Ambry Genetics
Classification: Uncertain significance for Cardiovascular phenotype. Last evaluated: 2026-06-06. Review status: criteria provided, single submitter. Criteria: Ambry Variant Classification Scheme 2023. Collection method: clinical testing. Allele origin: germline.
Comment: The p.P871Q variant (also known as c.2612C>A), located in coding exon 22 of the JAG1 gene, results from a C to A substitution at nucleotide position 2612. The proline at codon 871 is replaced by glutamine, an amino acid with similar properties. This amino acid position is conserved. In addition, this alteration is predicted to be tolerated by in silico analysis. Based on the available evidence, the clinical significance of this variant remains unclear.